The following is an entry in ClinVar:

NM_000090.4(COL3A1):c.781G>C (p.Gly261Arg)

Gene: COL3A1 (collagen type III alpha 1 chain; plus strand). Cytogenetic location: 2q32.2.
Variant type: single nucleotide variant.
Coding change: c.781G>C on transcript NM_000090.4 (MANE Select); coding-DNA position 781, G replaced by C.
Protein change: p.Gly261Arg; replaces glycine 261 with arginine.
Molecular consequence: missense variant.
Genome position (GRCh38, 1-based): chr2:188,990,343, G>C. VCF-style: chr2-188990343-G-C. GRCh37 (hg19) VCF-style: chr2-189855069-G-C.
Other names: short protein forms G261R.
Identifiers: ClinVar variation 1067438 (VCV001067438.12), dbSNP rs2153501976, ClinGen allele CA349849225.

ClinVar aggregate classification (germline): Likely pathogenic (1 of 4 stars; one submission).

Conditions:
Ehlers-Danlos syndrome, type 4 (EDSVASC). Also called: Ehlers-Danlos syndrome vascular type; Ehlers Danlos syndrome, ecchymotic type; Ehlers Danlos syndrome, arterial type; Ehlers Danlos syndrome, Sack-Barabas type; Ehlers-Danlos Syndrome Type IV. Identifiers: Orphanet 286, MedGen C0268338, MONDO:0017314, OMIM 130050.

Submission:

Labcorp Genetics (formerly Invitae), Labcorp
Classification: Likely pathogenic for Ehlers-Danlos syndrome, type 4. Last evaluated: 2022-06-13. Review status: criteria provided, single submitter. Criteria: Invitae Variant Classification Sherloc (09022015). Collection method: clinical testing. Allele origin: germline.
Comment: In summary, the currently available evidence indicates that the variant is pathogenic, but additional data are needed to prove that conclusively. Therefore, this variant has been classified as Likely Pathogenic. This variant disrupts the triple helix domain of COL3A1. Glycine residues within the Gly-Xaa-Yaa repeats of the triple helix domain are required for the structure and stability of fibrillar collagens (PMID: 7695699, 8218237, 19344236). In COL3A1, variants that affect these glycine residues are significantly enriched in individuals with disease (PMID: 24922459, 25758994) compared to the general population (ExAC). Advanced modeling of protein sequence and biophysical properties (such as structural, functional, and spatial information, amino acid conservation, physicochemical variation, residue mobility, and thermodynamic stability) performed at Invitae indicates that this missense variant is expected to disrupt COL3A1 protein function. ClinVar contains an entry for this variant (Variation ID: 1067438). This variant has not been reported in the literature in individuals affected with COL3A1-related conditions. This variant is not present in population databases (gnomAD no frequency). This sequence change replaces glycine, which is neutral and non-polar, with arginine, which is basic and polar, at codon 261 of the COL3A1 protein (p.Gly261Arg).

Literature cited by the submitters: PubMed 7695699; PubMed 8218237; PubMed 19344236; PubMed 24922459; PubMed 25758994.